The following is an entry in ClinVar:

ClinVar aggregate classification (germline): Uncertain significance. Review status: criteria provided, multiple submitters, no conflicts (2 of 4 stars). 4 submissions from 4 submitters: Uncertain significance (4). Last evaluated 2026-01-22.

Conditions:
PLEC-related disorder. Also called: PLEC-related condition; PLEC-related disorders.
Epidermolysis bullosa simplex 5C, with pyloric atresia (EBS5C). Also called: PLEC-Related Epidermolysis Bullosa with Pyloric Atresia; Epidermolysis bullosa simplex with pyloric atresia; PLEC1-Related Epidermolysis Bullosa with Pyloric Atresia. Identifiers: Orphanet 158684, MedGen C2677349, MONDO:0012807, OMIM 612138.
Epidermolysis bullosa simplex 5B, with muscular dystrophy (EBS5B). Also called: Epidermolysis bullosa simplex with muscular dystrophy; EPIDERMOLYSIS BULLOSA SIMPLEX AND LIMB-GIRDLE MUSCULAR DYSTROPHY. Identifiers: Orphanet 257, MedGen C2931072, MONDO:0009181, OMIM 226670.
Epidermolysis bullosa simplex, Ogna type (EBS5A). Also called: Pidermolysis bullosa simplex 5A, Ogna type; EPIDERMOLYSIS BULLOSA SIMPLEX 5A, OGNA TYPE. Identifiers: Orphanet 79401, MedGen C0432317, MONDO:0007555, OMIM 131950.
Epidermolysis bullosa simplex with nail dystrophy (EBS5D). Identifiers: MedGen C4225309, MONDO:0014661, OMIM 616487.
Autosomal recessive limb-girdle muscular dystrophy type 2Q (LGMDR17). Also called: MUSCULAR DYSTROPHY, LIMB-GIRDLE, AUTOSOMAL RECESSIVE 17. Identifiers: Orphanet 254361, MedGen C3150989, MONDO:0013390, OMIM 613723.

Allele frequency attached by ClinVar (database versions not stated): gnomAD 0.00002 and 0.00003; gnomAD exomes 0.00002 and 0.00004; TOPMed 0.00002; ExAC 0.00009.
gnomAD v4.1: 36 of 1,540,832 alleles (0.0023%); highest among the groups gnomAD compares: Middle Eastern, 0.018%; no homozygotes.

Submissions (4):

Labcorp Genetics (formerly Invitae), Labcorp
Classification: Uncertain significance for Autosomal recessive limb-girdle muscular dystrophy type 2Q; Epidermolysis bullosa simplex, Ogna type; Epidermolysis bullosa simplex with nail dystrophy; Epidermolysis bullosa simplex 5C, with pyloric atresia; Epidermolysis bullosa simplex 5B, with muscular dystrophy. Last evaluated: 2026-01-22. Review status: criteria provided, single submitter. Criteria: Invitae Variant Classification Sherloc (09022015). Collection method: clinical testing. Allele origin: germline.
Comment: This sequence change replaces arginine, which is basic and polar, with cysteine, which is neutral and slightly polar, at codon 1832 of the PLEC protein (p.Arg1832Cys). The frequency data for this variant in the population databases is considered unreliable, as metrics indicate poor data quality at this position in the gnomAD database. This variant has not been reported in the literature in individuals affected with PLEC-related conditions. ClinVar contains an entry for this variant (Variation ID: 1479018). Experimental studies and prediction algorithms are not available or were not evaluated, and the functional significance of this variant is currently unknown. In summary, the available evidence is currently insufficient to determine the role of this variant in disease. Therefore, it has been classified as a Variant of Uncertain Significance.

PreventionGenetics, part of Exact Sciences
Classification: Uncertain significance for PLEC-related condition. Last evaluated: 2025-12-13. Review status: criteria provided, single submitter. Criteria: ACMG Guidelines, 2015. Collection method: clinical testing. Allele origin: germline.
Comment: The PLEC c.5494C>T variant is predicted to result in the amino acid substitution p.Arg1832Cys. To our knowledge, this variant has not been reported in the literature. This variant is reported in 0.014% of alleles in individuals of African descent in gnomAD. At this time, the clinical significance of this variant is uncertain due to the absence of conclusive functional and genetic evidence.

Revvity Omics, Revvity
Classification: Uncertain significance. Last evaluated: 2020-03-26. Review status: criteria provided, single submitter. Criteria: ACMG Guidelines, 2015. Collection method: clinical testing. Allele origin: germline.

Breakthrough Genomics
Classification: Uncertain significance. Review status: criteria provided, single submitter. Criteria: ACMG Guidelines, 2015. Collection method: not provided. Allele origin: germline. Inheritance: Autosomal recessive inheritance. Affected: yes.

NM_201384.3(PLEC):c.5413C>T (p.Arg1805Cys)

Gene: PLEC (plectin; minus strand). Cytogenetic location: 8q24.3.
Variant type: single nucleotide variant.
Coding change: c.5413C>T on transcript NM_201384.3 (MANE Select); coding-DNA position 5413, C replaced by T.
Protein change: p.Arg1805Cys; replaces arginine 1805 with cysteine.
Molecular consequence: missense variant.
Genome position (GRCh38, 1-based): chr8:143,924,516, G>A on the plus strand (C>T on the coding strand, the complement: PLEC is on the minus strand). VCF-style: chr8-143924516-G-A. GRCh37 (hg19) VCF-style: chr8-144998684-G-A.
Other names: c.5494C>T, p.Arg1832Cys (NM_000445.5); c.5371C>T, p.Arg1791Cys (NM_201378.4); c.5347C>T, p.Arg1783Cys (NM_201379.3); c.5824C>T, p.Arg1942Cys (NM_201380.4); c.5317C>T, p.Arg1773Cys (NM_201381.3); c.5413C>T, p.Arg1805Cys (NM_201382.4); c.5425C>T, p.Arg1809Cys (NM_201383.3); c.5494C>T (NM_000445.4); short protein forms R1773C, R1791C, R1809C, R1805C, R1942C, R1783C, R1832C.
Identifiers: ClinVar variation 1479018 (VCV001479018.12), dbSNP rs782820715, ClinGen allele CA4926371.